The following is an entry in ClinVar:

NM_015374.3(SUN2):c.304C>T (p.Arg102Trp)

Gene: SUN2 (Sad1 and UNC84 domain containing 2; minus strand). Cytogenetic location: 22q13.1.
Variant type: single nucleotide variant.
Coding change: c.304C>T on transcript NM_015374.3 (MANE Select); coding-DNA position 304, C replaced by T.
Protein change: p.Arg102Trp; replaces arginine 102 with tryptophan.
Molecular consequence: missense variant.
Genome position (GRCh38, 1-based): chr22:38,751,018, G>A on the plus strand (C>T on the coding strand, the complement: SUN2 is on the minus strand). VCF-style: chr22-38751018-G-A. GRCh37 (hg19) VCF-style: chr22-39147023-G-A.
Other names: c.304C>T (NM_015374.2); c.304C>T, p.Arg102Trp (NM_001199579.2, NM_001199580.2); short protein forms R102W.
Identifiers: ClinVar variation 1039038 (VCV001039038.11), dbSNP rs146324000, ClinGen allele CA10235989.

ClinVar aggregate classification (germline): Uncertain significance. Review status: criteria provided, multiple submitters, no conflicts (2 of 4 stars). 2 submissions from 2 submitters: Uncertain significance (2). Last evaluated 2025-11-24.

Conditions:
Emery-Dreifuss muscular dystrophy (EDMD). Also called: Scapuloperoneal syndrome, X-linked (formerly); Humeroperoneal neuromuscular disease, (formerly). Identifiers: Orphanet 261, MedGen C0410189, MONDO:0016830.

Allele frequency attached by ClinVar (database versions not stated): gnomAD 0.00002; gnomAD exomes 0.00002; ExAC 0.00003; TOPMed 0.00005; ESP Exome Variant Server 0.00008.

Submissions (2):

Labcorp Genetics (formerly Invitae), Labcorp
Classification: Uncertain significance for Emery-Dreifuss muscular dystrophy. Last evaluated: 2025-11-24. Review status: criteria provided, single submitter. Criteria: Invitae Variant Classification Sherloc (09022015). Collection method: clinical testing. Allele origin: germline.
Comment: This sequence change replaces arginine, which is basic and polar, with tryptophan, which is neutral and slightly polar, at codon 102 of the SUN2 protein (p.Arg102Trp). This variant is present in population databases (rs146324000, gnomAD 0.006%). This variant has not been reported in the literature in individuals affected with SUN2-related conditions. ClinVar contains an entry for this variant (Variation ID: 1039038). An algorithm developed to predict the effect of missense changes on protein structure and function (PolyPhen-2) suggests that this variant is likely to be disruptive. Algorithms developed to predict the effect of sequence changes on RNA splicing suggest that this variant may disrupt the consensus splice site. In summary, the available evidence is currently insufficient to determine the role of this variant in disease. Therefore, it has been classified as a Variant of Uncertain Significance.

Ambry Genetics
Classification: Uncertain significance. Last evaluated: 2025-04-29. Review status: criteria provided, single submitter. Criteria: Ambry Variant Classification Scheme 2023. Collection method: clinical testing. Allele origin: germline.